The following is an entry in ClinVar:

ClinVar aggregate classification (germline): Uncertain significance (1 of 4 stars; one submission).

Conditions:
Hereditary cancer-predisposing syndrome. Also called: Tumor predisposition; Neoplastic Syndromes, Hereditary; Hereditary neoplastic syndrome; Hereditary Cancer Syndrome. Identifiers: Orphanet 140162, MedGen C0027672, MeSH D009386, MONDO:0015356.

Submission:

Ambry Genetics
Classification: Uncertain significance for Hereditary cancer-predisposing syndrome. Last evaluated: 2025-08-27. Review status: criteria provided, single submitter. Criteria: Ambry Variant Classification Scheme 2023. Collection method: clinical testing. Allele origin: germline.
Comment: The p.K41M variant (also known as c.122A>T), located in coding exon 2 of the MUTYH gene, results from an A to T substitution at nucleotide position 122. The lysine at codon 41 is replaced by methionine, an amino acid with similar properties. This amino acid position is conserved. In addition, this alteration is predicted to be tolerated by in silico analysis. Based on the available evidence, the clinical significance of this variant remains unclear.

NM_001048174.2(MUTYH):c.80A>T (p.Lys27Met)

Gene: MUTYH (mutY DNA glycosylase; minus strand). Cytogenetic location: 1p34.1.
Variant type: single nucleotide variant.
Coding change: c.80A>T on transcript NM_001048174.2 (MANE Select); coding-DNA position 80, A replaced by T.
Protein change: p.Lys27Met; replaces lysine 27 with methionine.
Molecular consequence: missense variant. On other transcripts: 5 prime UTR variant (7), non-coding transcript variant (7).
Genome position (GRCh38, 1-based): chr1:45,334,426, T>A on the plus strand (A>T on the coding strand, the complement: MUTYH is on the minus strand). VCF-style: chr1-45334426-T-A. GRCh37 (hg19) VCF-style: chr1-45800098-T-A.
Other names: c.80A>T, p.Lys27Met (NM_001048171.2, NM_001048172.2, NM_001048173.2 and 15 more transcripts); c.122A>T, p.Lys41Met (NM_001128425.2, NM_001293190.2, NM_001407069.1 and 2 more transcripts); c.-133A>T (NM_001293192.2, NM_001293196.2, NM_001407091.1); c.-192A>T (NM_001350650.2); c.-128A>T (NM_001350651.2, NM_001407082.1); c.-77A>T (NM_001407075.1); c.98A>T, p.Lys33Met (NM_001407087.1); short protein forms K33M, K41M, K27M.
Identifiers: ClinVar variation 4113106 (VCV004113106.1).
Genomic context (GRCh38, chr1:45,334,426, plus strand): 5'-CTTGGGCCACAACCTAGTTCCTTACCATCACAGGCAGAAGGCTTGGCCTGACTGTTGTTC[T>A]TAGCATGCTTCTGCCTCCCTTCCTGGCTGGCTGCCTGCTTCCTGTGACCACTTCCCACGG-3'
Protein context (NP_001041639.1, residues 17-37): ASQEGRQKHA[Lys27Met]NNSQAKPSAC